The following is an entry in ClinVar:

ClinVar aggregate classification (germline): Uncertain significance. Review status: criteria provided, multiple submitters, no conflicts (2 of 4 stars). 2 submissions from 2 submitters: Uncertain significance (2). Last evaluated 2024-08-06.

Conditions:
Hereditary cancer-predisposing syndrome. Also called: Tumor predisposition; Neoplastic Syndromes, Hereditary; Hereditary Cancer Syndrome; Hereditary neoplastic syndrome. Identifiers: Orphanet 140162, MedGen C0027672, MeSH D009386, MONDO:0015356.
Hereditary breast ovarian cancer syndrome. Also called: Hereditary breast and ovarian cancer; Breast and ovarian cancer; Hereditary breast and/or ovarian cancer syndrome; Hereditary breast and ovarian cancer syndrome; BRCA1- and BRCA2-Associated Hereditary Breast and Ovarian Cancer; Hereditary breast and ovarian cancer syndrome (HBOC). Identifiers: Orphanet 145, MedGen C0677776, MeSH D061325, MONDO:0003582. Disease mechanism: loss of function.

Submissions (2):

Ambry Genetics
Classification: Uncertain significance for Hereditary cancer-predisposing syndrome. Last evaluated: 2024-08-06. Review status: criteria provided, single submitter. Criteria: Ambry Variant Classification Scheme 2023. Collection method: clinical testing. Allele origin: germline.
Comment: The p.Q867H variant (also known as c.2601G>C), located in coding exon 9 of the BRCA1 gene, results from a G to C substitution at nucleotide position 2601. The glutamine at codon 867 is replaced by histidine, an amino acid with highly similar properties. This amino acid position is conserved. In addition, the in silico prediction for this alteration is inconclusive. Based on the available evidence, the clinical significance of this variant remains unclear.

Labcorp Genetics (formerly Invitae), Labcorp
Classification: Uncertain significance for Hereditary breast ovarian cancer syndrome. Last evaluated: 2024-04-10. Review status: criteria provided, single submitter. Criteria: Invitae Variant Classification Sherloc (09022015). Collection method: clinical testing. Allele origin: germline.
Comment: This sequence change replaces glutamine, which is neutral and polar, with histidine, which is basic and polar, at codon 867 of the BRCA1 protein (p.Gln867His). This variant is not present in population databases (gnomAD no frequency). This variant has not been reported in the literature in individuals affected with BRCA1-related conditions. Advanced modeling of protein sequence and biophysical properties (such as structural, functional, and spatial information, amino acid conservation, physicochemical variation, residue mobility, and thermodynamic stability) performed at Invitae indicates that this missense variant is not expected to disrupt BRCA1 protein function with a negative predictive value of 95%. In summary, the available evidence is currently insufficient to determine the role of this variant in disease. Therefore, it has been classified as a Variant of Uncertain Significance.

NM_007294.4(BRCA1):c.2601G>C (p.Gln867His)

Gene: BRCA1 (BRCA1 DNA repair associated; minus strand). Cytogenetic location: 17q21.31.
Variant type: single nucleotide variant.
Coding change: c.2601G>C on transcript NM_007294.4 (MANE Select); coding-DNA position 2601, G replaced by C.
Protein change: p.Gln867His; replaces glutamine 867 with histidine.
Molecular consequence: missense variant. On other transcripts: intron variant (137).
Genome position (GRCh38, 1-based): chr17:43,092,930, C>G on the plus strand (G>C on the coding strand, the complement: BRCA1 is on the minus strand). VCF-style: chr17-43092930-C-G. GRCh37 (hg19) VCF-style: chr17-41244947-C-G.
Other names: c.2478G>C, p.Gln826His (NM_001407675.1, NM_001407676.1, NM_001407677.1 and 19 more transcripts); c.461-1898G>C (NM_001408507.1, NM_001408506.1); c.545-1898G>C (NM_001408495.1); c.661+1814G>C (NM_001408448.1, NM_001408445.1, NM_001408432.1 and 6 more transcripts); c.668-1898G>C (NM_001408421.1, NM_001408431.1, NM_001408424.1); c.784+1814G>C (NM_001407991.1, NM_001408407.1, NM_001408402.1 and 13 more transcripts); c.664+1814G>C (NM_001408427.1, NM_001408443.1, NM_001408439.1 and 12 more transcripts); c.523+1814G>C (NM_001408496.1, NM_001408499.1, NM_001408498.1 and 3 more transcripts); and 41 more; short protein forms Q755H, Q756H, Q797H, Q800H, Q820H, Q840H, Q799H, Q819H.
Identifiers: ClinVar variation 3481836 (VCV003481836.3).